The following is an entry in ClinVar:

NM_016111.4(TELO2):c.19_20delinsTG (p.Glu7Trp)

Gene: TELO2 (telomere maintenance 2; plus strand). Cytogenetic location: 16p13.3.
Variant type: Indel.
Coding change: c.19_20delinsTG on transcript NM_016111.4 (MANE Select); coding-DNA positions 19 to 20, GA replaced by TG.
Protein change: p.Glu7Trp; replaces glutamic acid 7 with tryptophan.
Molecular consequence: missense variant.
Genome position (GRCh38, 1-based): chr16:1,494,300-1,494,301, GA replaced by TG. VCF-style: chr16-1494300-GA-TG. GRCh37 (hg19) VCF-style: chr16-1544301-GA-TG.
Other names: c.19_20delinsTG, p.Glu7Trp (NM_001351846.2); short protein forms E7W.
Identifiers: ClinVar variation 4720530 (VCV004720530.1).

ClinVar aggregate classification (germline): Uncertain significance (1 of 4 stars; one submission).

Submission:

Labcorp Genetics (formerly Invitae), Labcorp
Classification: Uncertain significance. Last evaluated: 2025-06-11. Review status: criteria provided, single submitter. Criteria: Invitae Variant Classification Sherloc (09022015). Collection method: clinical testing. Allele origin: germline.
Comment: This sequence change replaces glutamic acid, which is acidic and polar, with tryptophan, which is neutral and slightly polar, at codon 7 of the TELO2 protein (p.Glu7Trp). Information on the frequency of this variant in the gnomAD database is not available, as this variant may be reported differently in the database. This variant has not been reported in the literature in individuals affected with TELO2-related conditions. An algorithm developed to predict the effect of missense changes on protein structure and function (PolyPhen-2) suggests that this variant is likely to be tolerated. In summary, the available evidence is currently insufficient to determine the role of this variant in disease. Therefore, it has been classified as a Variant of Uncertain Significance.